The following is an entry in ClinVar:

NM_001142966.3(GREB1L):c.5008C>T (p.Gln1670Ter)

Gene: GREB1L (GREB1 like retinoic acid receptor coactivator; plus strand). Cytogenetic location: 18q11.2.
Variant type: single nucleotide variant.
Coding change: c.5008C>T on transcript NM_001142966.3 (MANE Select); coding-DNA position 5008, C replaced by T.
Protein change: p.Gln1670Ter; replaces glutamine 1670 with a stop codon.
Molecular consequence: nonsense.
Genome position (GRCh38, 1-based): chr18:21,515,523, C>T. VCF-style: chr18-21515523-C-T. GRCh37 (hg19) VCF-style: chr18-19095484-C-T.
Other names: c.5137C>T, p.Gln1713Ter (NM_001410867.1); c.4681C>T, p.Gln1561Ter (NM_001410868.1); short protein forms Q1561*, Q1670*, Q1713*.
Identifiers: ClinVar variation 4715180 (VCV004715180.1).

ClinVar aggregate classification (germline): Pathogenic (1 of 4 stars; one submission).

Submission:

Labcorp Genetics (formerly Invitae), Labcorp
Classification: Pathogenic. Last evaluated: 2025-03-22. Review status: criteria provided, single submitter. Criteria: Invitae Variant Classification Sherloc (09022015). Collection method: clinical testing. Allele origin: germline.
Comment: This sequence change creates a premature translational stop signal (p.Gln1670*) in the GREB1L gene. It is expected to result in an absent or disrupted protein product. Loss-of-function variants in GREB1L are known to be pathogenic (PMID: 29100090, 29100091). This variant is not present in population databases (gnomAD no frequency). This variant has not been reported in the literature in individuals affected with GREB1L-related conditions. Algorithms developed to predict the effect of sequence changes on RNA splicing suggest that this variant may disrupt the consensus splice site. For these reasons, this variant has been classified as Pathogenic.

Literature cited by the submitters: PubMed 29100090; PubMed 29100091.